The following is an entry in ClinVar:

NM_006767.4(LZTR1):c.729C>G (p.Phe243Leu)

Gene: LZTR1 (leucine zipper like post translational regulator 1; plus strand). Cytogenetic location: 22q11.21.
Variant type: single nucleotide variant.
Coding change: c.729C>G on transcript NM_006767.4 (MANE Select); coding-DNA position 729, C replaced by G.
Protein change: p.Phe243Leu; replaces phenylalanine 243 with leucine.
Molecular consequence: missense variant.
Genome position (GRCh38, 1-based): chr22:20,990,463, C>G. VCF-style: chr22-20990463-C-G. GRCh37 (hg19) VCF-style: chr22-21344752-C-G.
Other names: c.729C>G (NM_006767.3); short protein forms F243L.
Identifiers: ClinVar variation 2765901 (VCV002765901.4), dbSNP rs2518615801, ClinGen allele CA410780577.

ClinVar aggregate classification (germline): Uncertain significance. Review status: criteria provided, multiple submitters, no conflicts (2 of 4 stars). 2 submissions from 2 submitters: Uncertain significance (2). Last evaluated 2026-06-11.

Conditions:
Hereditary cancer-predisposing syndrome. Also called: Tumor predisposition; Hereditary neoplastic syndrome; Neoplastic Syndromes, Hereditary; Hereditary Cancer Syndrome. Identifiers: Orphanet 140162, MedGen C0027672, MeSH D009386, MONDO:0015356.
Cardiovascular phenotype. Identifiers: MedGen CN230736.

Submissions (2):

Ambry Genetics
Classification: Uncertain significance for Cardiovascular phenotype; Hereditary cancer-predisposing syndrome. Last evaluated: 2026-06-11. Review status: criteria provided, single submitter. Criteria: Ambry Variant Classification Scheme 2023. Collection method: clinical testing. Allele origin: germline.
Comment: The p.F243L variant (also known as c.729C>G), located in coding exon 8 of the LZTR1 gene, results from a C to G substitution at nucleotide position 729. The phenylalanine at codon 243 is replaced by leucine, an amino acid with highly similar properties. This amino acid position is highly conserved in available vertebrate species. In addition, this alteration is predicted to be deleterious by in silico analysis. Based on the available evidence, the clinical significance of this variant remains unclear.

Labcorp Genetics (formerly Invitae), Labcorp
Classification: Uncertain significance. Last evaluated: 2023-10-05. Review status: criteria provided, single submitter. Criteria: Invitae Variant Classification Sherloc (09022015). Collection method: clinical testing. Allele origin: germline.
Comment: This sequence change replaces phenylalanine, which is neutral and non-polar, with leucine, which is neutral and non-polar, at codon 243 of the LZTR1 protein (p.Phe243Leu). This variant is not present in population databases (gnomAD no frequency). This variant has not been reported in the literature in individuals affected with LZTR1-related conditions. Advanced modeling of protein sequence and biophysical properties (such as structural, functional, and spatial information, amino acid conservation, physicochemical variation, residue mobility, and thermodynamic stability) performed at Invitae indicates that this missense variant is not expected to disrupt LZTR1 protein function. In summary, the available evidence is currently insufficient to determine the role of this variant in disease. Therefore, it has been classified as a Variant of Uncertain Significance.